The following is an entry in ClinVar:

NM_015570.4(AUTS2):c.2721C>A (p.Asp907Glu)

Gene: AUTS2 (activator of transcription and developmental regulator AUTS2; plus strand). Cytogenetic location: 7q11.22.
Variant type: single nucleotide variant.
Coding change: c.2721C>A on transcript NM_015570.4 (MANE Select); coding-DNA position 2721, C replaced by A.
Protein change: p.Asp907Glu; replaces aspartic acid 907 with glutamic acid.
Molecular consequence: missense variant.
Genome position (GRCh38, 1-based): chr7:70,789,937, C>A. VCF-style: chr7-70789937-C-A. GRCh37 (hg19) VCF-style: chr7-70254923-C-A.
Other names: c.2721C>A (NM_015570.3); c.2649C>A, p.Asp883Glu (NM_001127231.3); short protein forms D883E, D907E.
Identifiers: ClinVar variation 1177854 (VCV001177854.5), dbSNP rs369119031, ClinGen allele CA4281162.

ClinVar aggregate classification (germline): Conflicting classifications of pathogenicity. Review status: criteria provided, conflicting classifications (1 of 4 stars). 3 submissions from 3 submitters: Uncertain significance (1); Likely benign (1). 1 of the submissions does not count toward it. Last evaluated 2025-05-17.

Conditions:
AUTS2-related disorder. Also called: AUTS2-related condition.

Allele frequency attached by ClinVar (database versions not stated): TOPMed 0.00002; ESP Exome Variant Server 0.00008.

Submissions (3):

Labcorp Genetics (formerly Invitae), Labcorp
Classification: Uncertain significance. Last evaluated: 2025-05-17. Review status: criteria provided, single submitter. Criteria: Invitae Variant Classification Sherloc (09022015). Collection method: clinical testing. Allele origin: germline.
Comment: This sequence change replaces aspartic acid, which is acidic and polar, with glutamic acid, which is acidic and polar, at codon 907 of the AUTS2 protein (p.Asp907Glu). This variant is present in population databases (rs369119031, gnomAD 0.006%). This variant has not been reported in the literature in individuals affected with AUTS2-related conditions. ClinVar contains an entry for this variant (Variation ID: 1177854). Invitae Evidence Modeling of protein sequence and biophysical properties (such as structural, functional, and spatial information, amino acid conservation, physicochemical variation, residue mobility, and thermodynamic stability) indicates that this missense variant is not expected to disrupt AUTS2 protein function with a negative predictive value of 80%. In summary, the available evidence is currently insufficient to determine the role of this variant in disease. Therefore, it has been classified as a Variant of Uncertain Significance.

GeneDx
Classification: Likely benign. Last evaluated: 2020-09-17. Review status: criteria provided, single submitter. Criteria: GeneDx Variant Classification Process June 2021. Collection method: clinical testing. Allele origin: germline. Affected: yes.

PreventionGenetics, part of Exact Sciences
Classification: Likely benign for AUTS2-related condition. Last evaluated: 2024-02-08. Review status: no assertion criteria provided. Collection method: clinical testing. Allele origin: germline. Not counted in ClinVar's aggregate classification.
Comment: This variant is classified as likely benign based on ACMG/AMP sequence variant interpretation guidelines (Richards et al. 2015 PMID: 25741868, with internal and published modifications).